The following is an entry in ClinVar:

ClinVar aggregate classification (germline): Likely benign. Review status: criteria provided, multiple submitters, no conflicts (2 of 4 stars). 2 submissions from 2 submitters: Likely benign (2). Last evaluated 2024-10-16.

Conditions:
Malignant hyperthermia, susceptibility to, 5 (MHS5). Also called: CACNA1S-Related Malignant Hyperthermia Susceptibility. Identifiers: Orphanet 423, MedGen C1866077, MONDO:0011163, OMIM 601887.
Hypokalemic periodic paralysis, type 1. Also called: Hypokalemic Periodic Paralysis Type 1 (AD); HypoPP. Identifiers: Orphanet 681, MedGen C3714580, MONDO:0042979, OMIM 170400.

Allele frequency attached by ClinVar (database versions not stated): gnomAD 0.00001; gnomAD exomes 0.00001; TOPMed 0.00003; ExAC 0.00009.
gnomAD v4.1: 14 of 1,613,388 alleles (0.00087%); highest among the groups gnomAD compares: East Asian, 0.025%; no homozygotes.

Submissions (2):

Labcorp Genetics (formerly Invitae), Labcorp
Classification: Likely benign for Hypokalemic periodic paralysis, type 1; Malignant hyperthermia, susceptibility to, 5. Last evaluated: 2024-10-16. Review status: criteria provided, single submitter. Criteria: Invitae Variant Classification Sherloc (09022015). Collection method: clinical testing. Allele origin: germline.

All of Us Research Program, National Institutes of Health
Classification: Likely benign for Malignant hyperthermia, susceptibility to, 5. Last evaluated: 2024-08-13. Review status: criteria provided, single submitter. Criteria: ACMG Guidelines, 2015. Collection method: clinical testing. Allele origin: germline. Inheritance: Autosomal dominant inheritance. Observed: 1 variant allele, 1 heterozygote.
Comment: This study involves interpretation of variants in research participants for the purpose of population health screening. Participant phenotype was not available at the time of variant classification. Additional details can be found in publication PMID: 35346344, PMCID: PMC8962531

NM_000069.3(CACNA1S):c.2491-12C>T

Gene: CACNA1S (calcium voltage-gated channel subunit alpha1 S; minus strand). Cytogenetic location: 1q32.1.
Variant type: single nucleotide variant.
Coding change: c.2491-12C>T on transcript NM_000069.3 (MANE Select); 12 bases into the intron before coding-DNA position 2491, C replaced by T.
Molecular consequence: intron variant.
Genome position (GRCh38, 1-based): chr1:201,069,208, G>A on the plus strand (C>T on the coding strand, the complement: CACNA1S is on the minus strand). VCF-style: chr1-201069208-G-A. GRCh37 (hg19) VCF-style: chr1-201038336-G-A.
Identifiers: ClinVar variation 2924436 (VCV002924436.4), dbSNP rs781639323, ClinGen allele CA079025.